The following is an entry in ClinVar:

NM_017654.4(SAMD9):c.3606A>C (p.Glu1202Asp)

Gene: SAMD9 (sterile alpha motif domain containing 9; minus strand). Cytogenetic location: 7q21.2.
Variant type: single nucleotide variant.
Coding change: c.3606A>C on transcript NM_017654.4 (MANE Select); coding-DNA position 3606, A replaced by C.
Protein change: p.Glu1202Asp; replaces glutamic acid 1202 with aspartic acid.
Molecular consequence: missense variant.
Genome position (GRCh38, 1-based): chr7:93,102,492, T>G on the plus strand (A>C on the coding strand, the complement: SAMD9 is on the minus strand). VCF-style: chr7-93102492-T-G. GRCh37 (hg19) VCF-style: chr7-92731805-T-G.
Other names: c.3606A>C, p.Glu1202Asp (NM_001193307.2); c.3606A>C (NM_017654.3); short protein forms E1202D.
Identifiers: ClinVar variation 1386559 (VCV001386559.10), dbSNP rs745587716, ClinGen allele CA4342678.

ClinVar aggregate classification (germline): Uncertain significance. Review status: criteria provided, multiple submitters, no conflicts (2 of 4 stars). 5 submissions from 5 submitters: Uncertain significance (5). Last evaluated 2026-01-30.

Conditions:
SAMD9-related disorder. Also called: SAMD9-related condition.
Inborn genetic diseases. Identifiers: MedGen C0950123, MeSH D030342.

Allele frequency attached by ClinVar (database versions not stated): gnomAD exomes 0.00001 and 0.00002; TOPMed 0.00001; ExAC 0.00003.

Submissions (5):

PreventionGenetics, part of Exact Sciences
Classification: Uncertain significance for SAMD9-related condition. Last evaluated: 2026-01-30. Review status: criteria provided, single submitter. Criteria: ACMG Guidelines, 2015. Collection method: clinical testing. Allele origin: germline.
Comment: The SAMD9 c.3606A>C variant is predicted to result in the amino acid substitution p.Glu1202Asp. To our knowledge, this variant has not been reported in the literature. This variant is reported in 0.0044% of alleles in individuals of European (Non-Finnish) descent in gnomAD. At this time, the clinical significance of this variant is uncertain due to the absence of conclusive functional and genetic evidence.

Labcorp Genetics (formerly Invitae), Labcorp
Classification: Uncertain significance. Last evaluated: 2025-07-24. Review status: criteria provided, single submitter. Criteria: Invitae Variant Classification Sherloc (09022015). Collection method: clinical testing. Allele origin: germline.
Comment: This sequence change replaces glutamic acid, which is acidic and polar, with aspartic acid, which is acidic and polar, at codon 1202 of the SAMD9 protein (p.Glu1202Asp). This variant is present in population databases (rs745587716, gnomAD 0.004%). This variant has not been reported in the literature in individuals affected with SAMD9-related conditions. ClinVar contains an entry for this variant (Variation ID: 1386559). Invitae Evidence Modeling of protein sequence and biophysical properties (such as structural, functional, and spatial information, amino acid conservation, physicochemical variation, residue mobility, and thermodynamic stability) has been performed for this missense variant. However, the output from this modeling did not meet the statistical confidence thresholds required to predict the impact of this variant on SAMD9 protein function. In summary, the available evidence is currently insufficient to determine the role of this variant in disease. Therefore, it has been classified as a Variant of Uncertain Significance.

Women's Health and Genetics/Laboratory Corporation of America, LabCorp
Classification: Uncertain significance. Last evaluated: 2025-05-30. Review status: criteria provided, single submitter. Criteria: LabCorp Variant Classification Summary - May 2015. Collection method: clinical testing. Allele origin: germline.
Comment: Variant summary: SAMD9 c.3606A>C (p.Glu1202Asp) results in a conservative amino acid change in the encoded protein sequence. Algorithms developed to predict the effect of missense changes on protein structure and function all suggest that this variant is likely to be tolerated. The variant allele was found at a frequency of 2e-05 in 251184 control chromosomes. The available data on variant occurrences in the general population are insufficient to allow any conclusion about variant significance. To our knowledge, no occurrence of c.3606A>C in individuals affected with MIRAGE Syndrome and no experimental evidence demonstrating its impact on protein function have been reported. ClinVar contains an entry for this variant (Variation ID: 1386559). Based on the evidence outlined above, the variant was classified as uncertain significance.

Ambry Genetics
Classification: Uncertain significance for Inborn genetic diseases. Last evaluated: 2024-12-08. Review status: criteria provided, single submitter. Criteria: Ambry Variant Classification Scheme 2023. Collection method: clinical testing. Allele origin: germline.
Comment: The p.E1202D variant (also known as c.3606A>C), located in coding exon 1 of the SAMD9 gene, results from an A to C substitution at nucleotide position 3606. The glutamic acid at codon 1202 is replaced by aspartic acid, an amino acid with highly similar properties. This amino acid position is conserved. In addition, this alteration is predicted to be tolerated by in silico analysis. Based on the available evidence, the clinical significance of this variant remains unclear.

Blueprint Genetics
Classification: Uncertain significance. Last evaluated: 2020-06-29. Review status: criteria provided, single submitter. Criteria: ACMG Guidelines, 2015. Collection method: clinical testing. Allele origin: germline.